The following is an entry in ClinVar:

ClinVar aggregate classification (germline): Uncertain significance (1 of 4 stars; one submission).

Conditions:
Kabuki syndrome. Also called: NIIKAWA-KUROKI SYNDROME; Kabuki make-up syndrome. Identifiers: Orphanet 2322, MedGen C0796004, MONDO:0016512.

Submission:

Labcorp Genetics (formerly Invitae), Labcorp
Classification: Uncertain significance for Kabuki syndrome. Last evaluated: 2024-12-24. Review status: criteria provided, single submitter. Criteria: Invitae Variant Classification Sherloc (09022015). Collection method: clinical testing. Allele origin: germline.
Comment: This sequence change replaces proline, which is neutral and non-polar, with serine, which is neutral and polar, at codon 1106 of the KMT2D protein (p.Pro1106Ser). This variant is not present in population databases (gnomAD no frequency). This variant has not been reported in the literature in individuals affected with KMT2D-related conditions. Invitae Evidence Modeling of protein sequence and biophysical properties (such as structural, functional, and spatial information, amino acid conservation, physicochemical variation, residue mobility, and thermodynamic stability) indicates that this missense variant is not expected to disrupt KMT2D protein function with a negative predictive value of 95%. In summary, the available evidence is currently insufficient to determine the role of this variant in disease. Therefore, it has been classified as a Variant of Uncertain Significance.

NM_003482.4(KMT2D):c.3316C>T (p.Pro1106Ser)

Gene: KMT2D (lysine methyltransferase 2D; minus strand). Cytogenetic location: 12q13.12.
Variant type: single nucleotide variant.
Coding change: c.3316C>T on transcript NM_003482.4 (MANE Select); coding-DNA position 3316, C replaced by T.
Protein change: p.Pro1106Ser; replaces proline 1106 with serine.
Molecular consequence: missense variant.
Genome position (GRCh38, 1-based): chr12:49,050,272, G>A on the plus strand (C>T on the coding strand, the complement: KMT2D is on the minus strand). VCF-style: chr12-49050272-G-A. GRCh37 (hg19) VCF-style: chr12-49444055-G-A.
Other names: short protein forms P1106S.
Identifiers: ClinVar variation 3698889 (VCV003698889.2).